The following is an entry in ClinVar:

ClinVar aggregate classification (germline): Pathogenic (1 of 4 stars; one submission).

Conditions:
Nephronophthisis. Also called: Juvenile Nephronophthisis. Identifiers: Orphanet 655, MedGen C0687120, MONDO:0019005, HP:0000090.

Allele frequency attached by ClinVar (database versions not stated): gnomAD exomes below 0.00001.

Submission:

Labcorp Genetics (formerly Invitae), Labcorp
Classification: Pathogenic for Nephronophthisis. Last evaluated: 2023-06-12. Review status: criteria provided, single submitter. Criteria: Invitae Variant Classification Sherloc (09022015). Collection method: clinical testing. Allele origin: germline.
Comment: This sequence change creates a premature translational stop signal (p.Asp404Valfs*2) in the INVS gene. It is expected to result in an absent or disrupted protein product. Loss-of-function variants in INVS are known to be pathogenic (PMID: 12872123). This variant is not present in population databases (gnomAD no frequency). This variant has not been reported in the literature in individuals affected with INVS-related conditions. For these reasons, this variant has been classified as Pathogenic.

Literature cited by the submitters: PubMed 12872123.

NM_014425.5(INVS):c.1211del (p.Asp404fs)

Gene: INVS (inversin; plus strand). Cytogenetic location: 9q31.1.
Variant type: Deletion.
Coding change: c.1211del on transcript NM_014425.5 (MANE Select); coding-DNA position 1211, one base deleted (A; older notation c.1211delA).
Protein change: p.Asp404fs; shifts the reading frame from aspartic acid 404.
Molecular consequence: frameshift variant. On other transcripts: non-coding transcript variant (1).
Genome position (GRCh38, 1-based): chr9:100,252,415, A deleted. VCF-style (leftmost placement, unchanged base first): chr9-100252414-GA-G. GRCh37 (hg19) VCF-style: chr9-103014696-GA-G.
Other names: c.923del, p.Asp308fs (NM_001318381.2); c.233del, p.Asp78fs (NM_001318382.2); short protein forms D308fs, D78fs, D404fs.
Identifiers: ClinVar variation 2712588 (VCV002712588.3), dbSNP rs2490003602, ClinGen allele CA2690991593.